The following is an entry in ClinVar:

NM_001070.5(TUBG1):c.649C>G (p.Arg217Gly)

Gene: TUBG1 (tubulin gamma 1; plus strand). Cytogenetic location: 17q21.2.
Variant type: single nucleotide variant.
Coding change: c.649C>G on transcript NM_001070.5 (MANE Select); coding-DNA position 649, C replaced by G.
Protein change: p.Arg217Gly; replaces arginine 217 with glycine.
Molecular consequence: missense variant.
Genome position (GRCh38, 1-based): chr17:42,613,689, C>G. VCF-style: chr17-42613689-C-G. GRCh37 (hg19) VCF-style: chr17-40765707-C-G.
Other names: short protein forms R217G.
Identifiers: ClinVar variation 4532308 (VCV004532308.1).

ClinVar aggregate classification (germline): Uncertain significance (1 of 4 stars; one submission).

Submission:

GeneDx
Classification: Uncertain significance. Last evaluated: 2025-06-01. Review status: criteria provided, single submitter. Criteria: GeneDx Variant Classification Process June 2021. Collection method: clinical testing. Allele origin: germline. Affected: yes.
Comment: Not observed at significant frequency in large population cohorts (gnomAD); In silico analysis supports that this missense variant has a deleterious effect on protein structure/function; Has not been previously published as pathogenic or benign to our knowledge